The following is an entry in ClinVar:

ClinVar aggregate classification (germline): Uncertain significance (1 of 4 stars; one submission).

Allele frequency attached by ClinVar (database versions not stated): TOPMed below 0.00001; gnomAD 0.00001; gnomAD exomes 0.00001; ESP Exome Variant Server 0.00008.
gnomAD v4.1: 23 of 1,611,516 alleles (0.0014%); highest among the groups gnomAD compares: Non-Finnish European, 0.0015%; no homozygotes.

Submission:

Labcorp Genetics (formerly Invitae), Labcorp
Classification: Uncertain significance. Last evaluated: 2023-04-17. Review status: criteria provided, single submitter. Criteria: Invitae Variant Classification Sherloc (09022015). Collection method: clinical testing. Allele origin: germline.
Comment: This sequence change replaces isoleucine, which is neutral and non-polar, with threonine, which is neutral and polar, at codon 662 of the DNM1L protein (p.Ile662Thr). In summary, the available evidence is currently insufficient to determine the role of this variant in disease. Therefore, it has been classified as a Variant of Uncertain Significance. An algorithm developed to predict the effect of missense changes on protein structure and function (PolyPhen-2) suggests that this variant is likely to be disruptive. This variant has not been reported in the literature in individuals affected with DNM1L-related conditions. This variant is present in population databases (rs138697096, gnomAD 0.003%).

NM_012062.5(DNM1L):c.1985T>C (p.Ile662Thr)

Gene: DNM1L (dynamin 1 like; plus strand). Cytogenetic location: 12p11.21.
Variant type: single nucleotide variant.
Coding change: c.1985T>C on transcript NM_012062.5 (MANE Select); coding-DNA position 1985, T replaced by C.
Protein change: p.Ile662Thr; replaces isoleucine 662 with threonine.
Molecular consequence: missense variant.
Genome position (GRCh38, 1-based): chr12:32,740,509, T>C. VCF-style: chr12-32740509-T-C. GRCh37 (hg19) VCF-style: chr12-32893443-T-C.
Other names: c.1952T>C, p.Ile651Thr (NM_001278463.2); c.2024T>C, p.Ile675Thr (NM_001278464.2); c.1991T>C, p.Ile664Thr (NM_001278465.2); c.1376T>C, p.Ile459Thr (NM_001278466.2); c.1913T>C, p.Ile638Thr (NM_001330380.2); c.1874T>C, p.Ile625Thr (NM_005690.5); c.1907T>C, p.Ile636Thr (NM_012063.4); short protein forms I675T, I636T, I638T, I651T, I459T, I625T, I662T, I664T.
Identifiers: ClinVar variation 3000561 (VCV003000561.3), dbSNP rs138697096, ClinGen allele CA235206193.